The following is an entry in ClinVar:

ClinVar aggregate classification (germline): Uncertain significance (1 of 4 stars; one submission).

Conditions:
Neuronal ceroid lipofuscinosis. Also called: Neuronal Ceroid Lipofuscinoses. Identifiers: Orphanet 216, Orphanet 79263, MedGen C0027877, MONDO:0016295. Disease mechanism: loss of function.

Allele frequency attached by ClinVar (database versions not stated): gnomAD 0.00001.
gnomAD v4.1: 1 of 1,613,956 alleles (0.000062%); highest among the groups gnomAD compares: Admixed American, 0.0017%; no homozygotes.

Submission:

Labcorp Genetics (formerly Invitae), Labcorp
Classification: Uncertain significance for Neuronal ceroid lipofuscinosis. Last evaluated: 2022-10-13. Review status: criteria provided, single submitter. Criteria: Invitae Variant Classification Sherloc (09022015). Collection method: clinical testing. Allele origin: germline.
Comment: This sequence change replaces leucine, which is neutral and non-polar, with methionine, which is neutral and non-polar, at codon 36 of the CLN8 protein (p.Leu36Met). This variant is not present in population databases (gnomAD no frequency). This variant has not been reported in the literature in individuals affected with CLN8-related conditions. ClinVar contains an entry for this variant (Variation ID: 527756). Advanced modeling of protein sequence and biophysical properties (such as structural, functional, and spatial information, amino acid conservation, physicochemical variation, residue mobility, and thermodynamic stability) performed at Invitae indicates that this missense variant is not expected to disrupt CLN8 protein function. In summary, the available evidence is currently insufficient to determine the role of this variant in disease. Therefore, it has been classified as a Variant of Uncertain Significance.

NM_018941.4(CLN8):c.106T>A (p.Leu36Met)

Gene: CLN8 (CLN8 transmembrane ER and ERGIC protein; plus strand). Cytogenetic location: 8p23.3.
Variant type: single nucleotide variant.
Coding change: c.106T>A on transcript NM_018941.4 (MANE Select); coding-DNA position 106, T replaced by A.
Protein change: p.Leu36Met; replaces leucine 36 with methionine.
Molecular consequence: missense variant.
Genome position (GRCh38, 1-based): chr8:1,771,160, T>A. VCF-style: chr8-1771160-T-A. GRCh37 (hg19) VCF-style: chr8-1719326-T-A.
Other names: short protein forms L36M.
Identifiers: ClinVar variation 527756 (VCV000527756.3), dbSNP rs1554448978, ClinGen allele CA369952883.